The following is an entry in ClinVar:

NM_002439.5(MSH3):c.446G>A (p.Ser149Asn)

Gene: MSH3 (mutS homolog 3; plus strand). Cytogenetic location: 5q14.1.
Variant type: single nucleotide variant.
Coding change: c.446G>A on transcript NM_002439.5 (MANE Select); coding-DNA position 446, G replaced by A.
Protein change: p.Ser149Asn; replaces serine 149 with asparagine.
Molecular consequence: missense variant.
Genome position (GRCh38, 1-based): chr5:80,665,230, G>A. VCF-style: chr5-80665230-G-A. GRCh37 (hg19) VCF-style: chr5-79961049-G-A.
Other names: short protein forms S149N.
Identifiers: ClinVar variation 644161 (VCV000644161.12), dbSNP rs924517772, ClinGen allele CA121290978.

ClinVar aggregate classification (germline): Conflicting classifications of pathogenicity. Review status: criteria provided, conflicting classifications (1 of 4 stars). 4 submissions from 4 submitters: Uncertain significance (2); Likely benign (1). 1 of the submissions does not count toward it. Last evaluated 2025-10-29.

Conditions:
Hereditary cancer-predisposing syndrome. Also called: Neoplastic Syndromes, Hereditary; Tumor predisposition; Hereditary neoplastic syndrome; Hereditary Cancer Syndrome. Identifiers: Orphanet 140162, MedGen C0027672, MeSH D009386, MONDO:0015356.
MSH3-related disorder. Also called: MSH3-related condition.
Endometrial carcinoma. Also called: Endometrial carcinoma, somatic. Identifiers: MedGen C0476089, MONDO:0002447, OMIM 608089, HP:0012114.
Familial adenomatous polyposis 4 (FAP4). Also called: MSH3-related attenuated familial adenomatous polyposis. Identifiers: Orphanet 480536, MedGen C4310719, MONDO:0044300, OMIM 617100.

Allele frequency attached by ClinVar (database versions not stated): TOPMed below 0.00001; gnomAD 0.00001; gnomAD exomes 0.00001 and 0.00002.

Submissions (4):

Labcorp Genetics (formerly Invitae), Labcorp
Classification: Uncertain significance. Last evaluated: 2025-10-29. Review status: criteria provided, single submitter. Criteria: Invitae Variant Classification Sherloc (09022015). Collection method: clinical testing. Allele origin: germline.
Comment: This sequence change replaces serine, which is neutral and polar, with asparagine, which is neutral and polar, at codon 149 of the MSH3 protein (p.Ser149Asn). This variant is present in population databases (no rsID available, gnomAD 0.004%). This variant has not been reported in the literature in individuals affected with MSH3-related conditions. ClinVar contains an entry for this variant (Variation ID: 644161). An algorithm developed to predict the effect of missense changes on protein structure and function outputs the following: PolyPhen-2: "Benign". The asparagine amino acid residue is found in multiple mammalian species, which suggests that this missense change does not adversely affect protein function. In summary, the available evidence is currently insufficient to determine the role of this variant in disease. Therefore, it has been classified as a Variant of Uncertain Significance.

Fulgent Genetics
Classification: Uncertain significance for Endometrial carcinoma; Familial adenomatous polyposis 4. Last evaluated: 2024-05-01. Review status: criteria provided, single submitter. Criteria: ACMG Guidelines, 2015. Collection method: clinical testing. Allele origin: germline.

Ambry Genetics
Classification: Likely benign for Hereditary cancer-predisposing syndrome. Last evaluated: 2020-03-28. Review status: criteria provided, single submitter. Criteria: Ambry Variant Classification Scheme 2023. Collection method: clinical testing. Allele origin: germline.

PreventionGenetics, part of Exact Sciences
Classification: Uncertain significance for MSH3-related condition. Last evaluated: 2024-07-29. Review status: no assertion criteria provided. Collection method: clinical testing. Allele origin: germline. Not counted in ClinVar's aggregate classification.
Comment: The MSH3 c.446G>A variant is predicted to result in the amino acid substitution p.Ser149Asn. To our knowledge, this variant has not been reported in the literature. This variant is reported in 0.0046% of alleles in individuals of European (Finnish) descent in gnomAD and has conflicting interpretations of pathogenicity in ClinVar ranging from likely benign to uncertain. At this time, the clinical significance of this variant is uncertain due to the absence of conclusive functional and genetic evidence.